The following is an entry in ClinVar:

NM_020975.6(RET):c.2038G>A (p.Ala680Thr)

Gene: RET (ret proto-oncogene; plus strand). Cytogenetic location: 10q11.21.
Variant type: single nucleotide variant.
Coding change: c.2038G>A on transcript NM_020975.6 (MANE Select); coding-DNA position 2038, G replaced by A.
Protein change: p.Ala680Thr; replaces alanine 680 with threonine.
Molecular consequence: missense variant.
Genome position (GRCh38, 1-based): chr10:43,114,638, G>A. VCF-style: chr10-43114638-G-A. GRCh37 (hg19) VCF-style: chr10-43610086-G-A.
Other names: c.2038G>A, p.Ala680Thr (NM_000323.2, NM_001406743.1, NM_001406744.1 and 4 more transcripts); c.1276G>A, p.Ala426Thr (NM_001355216.2); c.1909G>A, p.Ala637Thr (NM_001406761.1, NM_001406762.1, NM_001406764.1); c.1903G>A, p.Ala635Thr (NM_001406763.1, NM_001406765.1); c.1750G>A, p.Ala584Thr (NM_001406766.1, NM_001406767.1, NM_001406770.1); c.1774G>A, p.Ala592Thr (NM_001406768.1); c.1642G>A, p.Ala548Thr (NM_001406769.1, NM_001406772.1); c.1600G>A, p.Ala534Thr (NM_001406771.1, NM_001406773.1); and 10 more; short protein forms A680T, A426T, A336T, A341T, A534T, A635T, A197T, A338T.
Identifiers: ClinVar variation 405547 (VCV000405547.16), dbSNP rs184498773, ClinGen allele CA16612879.
Genomic context (GRCh38, chr10:43,114,638, plus strand): 5'-TACCACAAGTTTGCCCACAAGCCACCCATCTCCTCAGCTGAGATGACCTTCCGGAGGCCC[G>A]CCCAGGCCTTCCCGGTCAGCTACTCCTCTTCCGGTGCCCGCCGGCCCTCGCTGGACTCCA-3'
Protein context (NP_066124.1, residues 670-690): SSAEMTFRRP[Ala680Thr]QAFPVSYSSS

ClinVar aggregate classification (germline): Conflicting classifications of pathogenicity. Review status: criteria provided, conflicting classifications (1 of 4 stars). 5 submissions from 5 submitters: Uncertain significance (4); Benign (1). Last evaluated 2026-06-10.

Conditions:
Multiple endocrine neoplasia, type 2 (MEN2). Identifiers: Orphanet 653, MedGen C4048306, MONDO:0019003. Disease mechanism: gain of function.
Hirschsprung disease, susceptibility to, 1 (HSCR1). Also called: RET-Related Hirschsprung Disease. Identifiers: Orphanet 388, MedGen C3888239, MONDO:0007723, OMIM 142623.
Multiple endocrine neoplasia type 2B. Also called: WAGENMANN-FROBOESE SYNDROME; MULTIPLE ENDOCRINE NEOPLASIA, TYPE III; MULTIPLE ENDOCRINE NEOPLASIA, TYPE IIB; MEN IIB; NEUROMATA, MUCOSAL, WITH ENDOCRINE TUMORS; MEN 2B. Identifiers: Orphanet 247709, Orphanet 653, MedGen C0025269, MeSH D018814, MONDO:0008082, OMIM 162300.
Pheochromocytoma. Also called: MAX-Related Hereditary Paraganglioma-Pheochromocytoma Syndrome. Identifiers: Orphanet 29072, MedGen C0031511, MONDO:0008233, OMIM 171300, HP:0002666.
Familial medullary thyroid carcinoma (MTC). Also called: Thyroid cancer, familial medullary; MTC, familial; Familial Medullary Thyroid Carcinoma (FMTC). Identifiers: Orphanet 653, Orphanet 99361, MedGen C1833921, MONDO:0007958, OMIM 155240.
Multiple endocrine neoplasia type 2A. Also called: Multiple Endocrine Neoplasia Type 2A (MEN2A); MULTIPLE ENDOCRINE NEOPLASIA, TYPE IIA; PTC SYNDROME; SIPPLE SYNDROME; MEN 2A; MEN-2A syndrome. Identifiers: Orphanet 247698, Orphanet 653, MedGen C0025268, MeSH D018813, MONDO:0008234, OMIM 171400.
Hereditary cancer-predisposing syndrome. Also called: Tumor predisposition; Hereditary Cancer Syndrome; Hereditary neoplastic syndrome; Neoplastic Syndromes, Hereditary. Identifiers: Orphanet 140162, MedGen C0027672, MeSH D009386, MONDO:0015356.

Allele frequency attached by ClinVar (database versions not stated): gnomAD exomes below 0.00001 and 0.00001; gnomAD 0.00002 and 0.00003; TOPMed 0.00003; 1000 Genomes Project 30x 0.00016; 1000 Genomes Project 0.00020.
gnomAD v4.1: 7 of 1,612,778 alleles (0.00043%); highest among the groups gnomAD compares: African/African-American, 0.0027%; no homozygotes.

Submissions (5):

Ambry Genetics
Classification: Benign for Hereditary cancer-predisposing syndrome. Last evaluated: 2026-06-10. Review status: criteria provided, single submitter. Criteria: Ambry Variant Classification Scheme 2023. Collection method: clinical testing. Allele origin: germline.

Labcorp Genetics (formerly Invitae), Labcorp
Classification: Uncertain significance for Multiple endocrine neoplasia, type 2. Last evaluated: 2025-08-05. Review status: criteria provided, single submitter. Criteria: Invitae Variant Classification Sherloc (09022015). Collection method: clinical testing. Allele origin: germline.
Comment: This sequence change replaces alanine, which is neutral and non-polar, with threonine, which is neutral and polar, at codon 680 of the RET protein (p.Ala680Thr). This variant is not present in population databases (gnomAD no frequency). This variant has not been reported in the literature in individuals affected with RET-related conditions. ClinVar contains an entry for this variant (Variation ID: 405547). An algorithm developed to predict the effect of missense changes on protein structure and function outputs the following: PolyPhen-2: "Benign". The threonine amino acid residue is found in multiple mammalian species, which suggests that this missense change does not adversely affect protein function. In summary, the available evidence is currently insufficient to determine the role of this variant in disease. Therefore, it has been classified as a Variant of Uncertain Significance.

Fulgent Genetics
Classification: Uncertain significance for Hirschsprung disease, susceptibility to, 1; Familial medullary thyroid carcinoma; Multiple endocrine neoplasia type 2B; Pheochromocytoma; Multiple endocrine neoplasia type 2A. Last evaluated: 2023-12-29. Review status: criteria provided, single submitter. Criteria: ACMG Guidelines, 2015. Collection method: clinical testing. Allele origin: germline.

All of Us Research Program, National Institutes of Health
Classification: Uncertain significance for Multiple endocrine neoplasia, type 2. Last evaluated: 2023-12-13. Review status: criteria provided, single submitter. Criteria: ACMG Guidelines, 2015. Collection method: clinical testing. Allele origin: germline. Inheritance: Autosomal dominant inheritance. Observed: 4 variant alleles, 4 heterozygotes.
Comment: This missense variant replaces alanine with threonine at codon 680 of the RET protein. Computational prediction suggests that this variant may not impact protein structure and function (internally defined REVEL score threshold <= 0.5, PMID: 27666373). To our knowledge, functional studies have not been reported for this variant. This variant has not been reported in individuals affected with RET-related disorders in the literature. This variant has been identified in 1/250560 chromosomes in the general population by the Genome Aggregation Database (gnomAD). The available evidence is insufficient to determine the role of this variant in disease conclusively. Therefore, this variant is classified as a Variant of Uncertain Significance.

This study involves interpretation of variants in research participants for the purpose of population health screening. Participant phenotype was not available at the time of variant classification. Additional details can be found in publication PMID: 35346344, PMCID: PMC8962531

Baylor Genetics
Classification: Uncertain significance for Hirschsprung disease, susceptibility to, 1. Last evaluated: 2023-05-02. Review status: criteria provided, single submitter. Criteria: ACMG Guidelines, 2015. Collection method: clinical testing. Allele origin: unknown.